The following is an entry in ClinVar:

NM_001173990.3(TMEM216):c.347T>C (p.Leu116Pro)

Gene: TMEM216 (transmembrane protein 216; plus strand). Cytogenetic location: 11q12.2.
Variant type: single nucleotide variant.
Coding change: c.347T>C on transcript NM_001173990.3 (MANE Select); coding-DNA position 347, T replaced by C.
Protein change: p.Leu116Pro; replaces leucine 116 with proline.
Molecular consequence: missense variant.
Genome position (GRCh38, 1-based): chr11:61,397,891, T>C. VCF-style: chr11-61397891-T-C. GRCh37 (hg19) VCF-style: chr11-61165363-T-C.
Other names: c.347T>C, p.Leu116Pro (NM_001173991.3); c.164T>C, p.Leu55Pro (NM_001330285.2, NM_016499.6); short protein forms L116P, L55P.
Identifiers: ClinVar variation 1928869 (VCV001928869.2), dbSNP rs2539896649, ClinGen allele CA380686340.

ClinVar aggregate classification (germline): Uncertain significance (1 of 4 stars; one submission).

Conditions:
Joubert syndrome. Also called: CEREBELLOPARENCHYMAL DISORDER IV; JOUBERT-BOLTSHAUSER SYNDROME; Familial aplasia of the vermis. Identifiers: Orphanet 475, MedGen C5979921, MONDO:0018772.

Submission:

Labcorp Genetics (formerly Invitae), Labcorp
Classification: Uncertain significance for Joubert syndrome. Last evaluated: 2021-08-28. Review status: criteria provided, single submitter. Criteria: Invitae Variant Classification Sherloc (09022015). Collection method: clinical testing. Allele origin: germline.
Comment: This sequence change replaces leucine with proline at codon 116 of the TMEM216 protein (p.Leu116Pro). The leucine residue is highly conserved and there is a moderate physicochemical difference between leucine and proline. This variant is not present in population databases (ExAC no frequency). This variant has not been reported in the literature in individuals affected with TMEM216-related conditions. Algorithms developed to predict the effect of missense changes on protein structure and function are either unavailable or do not agree on the potential impact of this missense change (SIFT: "Deleterious"; PolyPhen-2: "Probably Damaging"; Align-GVGD: "Class C0"). In summary, the available evidence is currently insufficient to determine the role of this variant in disease. Therefore, it has been classified as a Variant of Uncertain Significance.